The following is an entry in ClinVar:

NM_002470.4(MYH3):c.1915AAG[2] (p.Lys641del)

Gene: MYH3 (myosin heavy chain 3; minus strand). Cytogenetic location: 17p13.1.
Variant type: Microsatellite.
Coding change: c.1915AAG[2] on transcript NM_002470.4 (MANE Select); two copies in a row of the 3-base unit AAG starting at c.1915; the reference has three copies in a row; one copy, 3 bases deleted.
Protein change: p.Lys641del; deletes lysine 641.
Molecular consequence: inframe deletion.
Genome position (GRCh38, 1-based): chr17:10,642,276-10,642,278, CTT deleted on the plus strand (AAG on the coding strand, the reverse complement: MYH3 is on the minus strand); deleting any 3 consecutive bases within chr17:10,642,276-10,642,284 gives the same sequence; the position shown is the placement nearest the transcript's 3' end. VCF-style (leftmost placement, unchanged base first): chr17-10642275-CCTT-C. GRCh37 (hg19) VCF-style: chr17-10545592-CCTT-C.
Other names: short protein forms K641del.
Identifiers: ClinVar variation 2085612 (VCV002085612.4), dbSNP rs753170083, ClinGen allele CA8392895.
Genomic context (GRCh38, chr17:10,642,275, plus strand): 5'-GCAAATAAACTTGTATTTTTCTTACCCTGAAAAGGGCAGAGACAGTTTGGAAGGAAGAAC[CCTT>C]CTTCTTGGCAACTTTCTTCTTTCCACTGTCAGCTGAAAGCAATAAGGGAGGGCACGTGCT-3'

ClinVar aggregate classification (germline): Uncertain significance (1 of 4 stars; one submission).

Submission:

Labcorp Genetics (formerly Invitae), Labcorp
Classification: Uncertain significance. Last evaluated: 2025-11-03. Review status: criteria provided, single submitter. Criteria: Invitae Variant Classification Sherloc (09022015). Collection method: clinical testing. Allele origin: germline.
Comment: This variant, c.1921_1923del, results in the deletion of 1 amino acid(s) of the MYH3 protein (p.Lys641del), but otherwise preserves the integrity of the reading frame. This variant is present in population databases (rs753170083, gnomAD 0.01%). This variant has not been reported in the literature in individuals affected with MYH3-related conditions. Experimental studies and prediction algorithms are not available or were not evaluated, and the functional significance of this variant is currently unknown. In summary, the available evidence is currently insufficient to determine the role of this variant in disease. Therefore, it has been classified as a Variant of Uncertain Significance.